The following is an entry in ClinVar:

ClinVar aggregate classification (germline): Benign. Review status: criteria provided, multiple submitters, no conflicts (2 of 4 stars). 2 submissions from 2 submitters: Benign (2). Last evaluated 2018-06-13.

Allele frequency attached by ClinVar (database versions not stated): 1000 Genomes Project 30x 0.04138; 1000 Genomes Project 0.04153; TOPMed 0.05522; ESP Exome Variant Server 0.06596; gnomAD 0.06680 and 0.06686; gnomAD exomes 0.08091; ExAC 0.11179.
gnomAD v4.1: 131,441 of 1,567,580 alleles (8.4%); highest among the groups gnomAD compares: Non-Finnish European, 8.9%; 6,199 homozygotes.

Submissions (2):

GeneDx
Classification: Benign. Last evaluated: 2018-06-13. Review status: criteria provided, single submitter. Criteria: GeneDx Variant Classification (06012015). Collection method: clinical testing. Allele origin: germline. Affected: yes.
Comment: This variant is considered likely benign or benign based on one or more of the following criteria: it is a conservative change, it occurs at a poorly conserved position in the protein, it is predicted to be benign by multiple in silico algorithms, and/or has population frequency not consistent with disease.

Breakthrough Genomics
Classification: Benign. Review status: criteria provided, single submitter. Criteria: ACMG Guidelines, 2015. Collection method: not provided. Allele origin: germline. Inheritance: Autosomal recessive inheritance. Affected: yes.

NM_194248.3(OTOF):c.2406+36G>A

Gene: OTOF (otoferlin; minus strand). Cytogenetic location: 2p23.3.
Variant type: single nucleotide variant.
Coding change: c.2406+36G>A on transcript NM_194248.3 (MANE Select); 36 bases into the intron after coding-DNA position 2406, G replaced by A.
Molecular consequence: intron variant.
Genome position (GRCh38, 1-based): chr2:26,477,380, C>T on the plus strand (G>A on the coding strand, the complement: OTOF is on the minus strand). VCF-style: chr2-26477380-C-T. GRCh37 (hg19) VCF-style: chr2-26700248-C-T.
Other names: c.2406+36G>A (NM_001287489.2); c.165+36G>A (NM_194323.3, NM_004802.4); c.336+36G>A (NM_194322.3).
Identifiers: ClinVar variation 683066 (VCV000683066.2), dbSNP rs56284635, ClinGen allele CA1563924.